The following is an entry in ClinVar:

ClinVar aggregate classification (germline): Pathogenic/Likely pathogenic. Review status: criteria provided, multiple submitters, no conflicts (2 of 4 stars). 2 submissions from 2 submitters: Pathogenic (1); Likely pathogenic (1). Last evaluated 2024-10-23.

Conditions:
Blepharophimosis, ptosis, and epicanthus inversus syndrome. Identifiers: Orphanet 126, MedGen C0220663, MONDO:0007201, OMIM 110100.

Submissions (2):

Labcorp Genetics (formerly Invitae), Labcorp
Classification: Pathogenic. Last evaluated: 2024-10-23. Review status: criteria provided, single submitter. Criteria: Invitae Variant Classification Sherloc (09022015). Collection method: clinical testing. Allele origin: germline.
Comment: This sequence change creates a premature translational stop signal (p.Thr259Alafs*11) in the FOXL2 gene. While this is not anticipated to result in nonsense mediated decay, it is expected to disrupt the last 118 amino acid(s) of the FOXL2 protein. This variant is not present in population databases (gnomAD no frequency). This variant has not been reported in the literature in individuals affected with FOXL2-related conditions. This variant disrupts a region of the FOXL2 protein in which other variant(s) (p.His311Tyr) have been determined to be pathogenic (PMID: 30029625). This suggests that this is a clinically significant region of the protein, and that variants that disrupt it are likely to be disease-causing. For these reasons, this variant has been classified as Pathogenic.

3billion
Classification: Likely pathogenic for Blepharophimosis, ptosis, and epicanthus inversus syndrome. Last evaluated: 2022-05-22. Review status: criteria provided, single submitter. Criteria: ACMG Guidelines, 2015. Collection method: clinical testing. Allele origin: germline. Affected: yes. Observed: 1 heterozygote.
Comment: The variant is not observed in the gnomAD v2.1.1 dataset. Frameshift: predicted to result in a loss or disruption of normal protein function through protein truncation. Multiple pathogenic variants are reported in the predicted truncated region. Therefore, this variant is classified as likely pathogenic according to the recommendation of ACMG/AMP guideline.

Literature cited by the submitters: PubMed 30029625 (cited by Labcorp Genetics (formerly Invitae), Labcorp).

NM_023067.4(FOXL2):c.775_778del (p.Thr259fs)

Gene: FOXL2 (forkhead box L2; minus strand). Cytogenetic location: 3q22.3.
Variant type: Microsatellite.
Coding change: c.775_778del on transcript NM_023067.4 (MANE Select); coding-DNA positions 775 to 778, 4 bases deleted (ACAC; older notation c.775_778delACAC).
Protein change: p.Thr259fs; shifts the reading frame from threonine 259.
Molecular consequence: frameshift variant.
Genome position (GRCh38, 1-based): chr3:138,945,945-138,945,948, GTGT deleted on the plus strand (ACAC on the coding strand, the reverse complement: FOXL2 is on the minus strand); deleting any 4 consecutive bases within chr3:138,945,945-138,945,950 gives the same sequence; the c. name uses the placement nearest the transcript's 3' end. VCF-style (leftmost placement, unchanged base first): chr3-138945944-CGTGT-C. GRCh37 (hg19) VCF-style: chr3-138664786-CGTGT-C.
Other names: short protein forms T259fs.
Identifiers: ClinVar variation 1687548 (VCV001687548.6), dbSNP rs2107743541, ClinGen allele CA2580615980.
Genomic context (GRCh38, chr3:138,945,944, plus strand): 5'-GGGCCTCCCAGGCCATTGTACGAGTTCACTACGCCGGGGGGCAGCGCCATGCTCTGCACG[CGTGT>C]GTACGGCCCGTACGAGGCGGCCGGGCCCGCCAGCCCCTTGACCACAGCGGCCGCGCCAGG-3'